The following is an entry in ClinVar:

NM_017780.4(CHD7):c.631A>C (p.Ser211Arg)

Gene: CHD7 (chromodomain helicase DNA binding protein 7; plus strand). Cytogenetic location: 8q12.2.
Variant type: single nucleotide variant.
Coding change: c.631A>C on transcript NM_017780.4 (MANE Select); coding-DNA position 631, A replaced by C.
Protein change: p.Ser211Arg; replaces serine 211 with arginine.
Molecular consequence: missense variant.
Genome position (GRCh38, 1-based): chr8:60,742,063, A>C. VCF-style: chr8-60742063-A-C. GRCh37 (hg19) VCF-style: chr8-61654622-A-C.
Other names: c.631A>C, p.Ser211Arg (NM_001316690.1); short protein forms S211R.
Identifiers: ClinVar variation 1039037 (VCV001039037.6), dbSNP rs936848734, ClinGen allele CA177312890.

ClinVar aggregate classification (germline): Uncertain significance (1 of 4 stars; one submission).

Conditions:
CHARGE syndrome (CHARGE). Also called: Hittner Hirsch Kreh syndrome; Coloboma, heart anomaly, choanal atresia, retardation, genital and ear anomalies; CHARGE association; Hall-Hittner syndrome; CHARGE ASSOCIATION--COLOBOMA, HEART ANOMALY, CHOANAL ATRESIA, RETARDATION, GENITAL AND EAR ANOMALIES. Identifiers: Orphanet 138, MedGen C0265354, MONDO:0008965.

Allele frequency attached by ClinVar (database versions not stated): gnomAD 0.00001; TOPMed 0.00001.
gnomAD v4.1: 1 of 1,613,804 alleles (0.000062%); highest among the groups gnomAD compares: African/African-American, 0.0013%; no homozygotes.

Submission:

Labcorp Genetics (formerly Invitae), Labcorp
Classification: Uncertain significance for CHARGE syndrome. Last evaluated: 2022-08-19. Review status: criteria provided, single submitter. Criteria: Invitae Variant Classification Sherloc (09022015). Collection method: clinical testing. Allele origin: germline.
Comment: This sequence change replaces serine, which is neutral and polar, with arginine, which is basic and polar, at codon 211 of the CHD7 protein (p.Ser211Arg). This variant is not present in population databases (gnomAD no frequency). This variant has not been reported in the literature in individuals affected with CHD7-related conditions. ClinVar contains an entry for this variant (Variation ID: 1039037). Advanced modeling of protein sequence and biophysical properties (such as structural, functional, and spatial information, amino acid conservation, physicochemical variation, residue mobility, and thermodynamic stability) performed at Invitae indicates that this missense variant is not expected to disrupt CHD7 protein function. In summary, the available evidence is currently insufficient to determine the role of this variant in disease. Therefore, it has been classified as a Variant of Uncertain Significance.